The following is an entry in ClinVar:

ClinVar aggregate classification (germline): Uncertain significance (1 of 4 stars; one submission).

Submission:

Labcorp Genetics (formerly Invitae), Labcorp
Classification: Uncertain significance. Last evaluated: 2023-05-16. Review status: criteria provided, single submitter. Criteria: Invitae Variant Classification Sherloc (09022015). Collection method: clinical testing. Allele origin: germline.
Comment: This variant is present in population databases (no rsID available, gnomAD 0.002%). This sequence change replaces arginine, which is basic and polar, with glycine, which is neutral and non-polar, at codon 1208 of the MTOR protein (p.Arg1208Gly). This variant has not been reported in the literature in individuals affected with MTOR-related conditions. Advanced modeling of protein sequence and biophysical properties (such as structural, functional, and spatial information, amino acid conservation, physicochemical variation, residue mobility, and thermodynamic stability) performed at Invitae indicates that this missense variant is not expected to disrupt MTOR protein function. ClinVar contains an entry for this variant (Variation ID: 653765). In summary, the available evidence is currently insufficient to determine the role of this variant in disease. Therefore, it has been classified as a Variant of Uncertain Significance.

NM_004958.4(MTOR):c.3622C>G (p.Arg1208Gly)

Gene: MTOR (mechanistic target of rapamycin kinase; minus strand). Cytogenetic location: 1p36.22.
Variant type: single nucleotide variant.
Coding change: c.3622C>G on transcript NM_004958.4 (MANE Select); coding-DNA position 3622, C replaced by G.
Protein change: p.Arg1208Gly; replaces arginine 1208 with glycine.
Molecular consequence: missense variant.
Genome position (GRCh38, 1-based): chr1:11,210,846, G>C on the plus strand (C>G on the coding strand, the complement: MTOR is on the minus strand). VCF-style: chr1-11210846-G-C. GRCh37 (hg19) VCF-style: chr1-11270903-G-C.
Other names: c.3622C>G (LRG_734t1); short protein forms R1208G.
Identifiers: ClinVar variation 653765 (VCV000653765.8), dbSNP rs200402195, ClinGen allele CA17917237.
Genomic context (GRCh38, chr1:11,210,846, plus strand): 5'-TTCAGAACAGAAAAGAAGTATAGTTCACCTTGACAATTCTGCAGATGAGCACATCATAGC[G>C]CTGATGATTGATTCGGTGTCGCACCAGAACTTTATTCACCATTGGAATGAAAATTTGGTA-3'
Protein context (NP_004949.1, residues 1198-1218): VLVRHRINHQ[Arg1208Gly]YDVLICRIVK